The following is an entry in ClinVar:

ClinVar aggregate classification (germline): Pathogenic. Review status: criteria provided, multiple submitters, no conflicts (2 of 4 stars). 12 submissions from 12 submitters: Pathogenic (12). Last evaluated 2026-04-09.

Conditions:
Eichsfeld type congenital muscular dystrophy (CMYO3). Also called: Rigid spine muscular dystrophy 1; MYOPATHY, SEPN1-RELATED; SELENON-related myopathy; Congenital myopathy 3 with rigid spine. Identifiers: MedGen C0410180, MONDO:0100100, OMIM 602771.

Allele frequency attached by ClinVar (database versions not stated): gnomAD 0.00002; gnomAD exomes 0.00003; ExAC 0.00005; TOPMed 0.00006; ESP Exome Variant Server 0.00008.
gnomAD v4.1: 92 of 1,612,838 alleles (0.0057%); highest among the groups gnomAD compares: Non-Finnish European, 0.0067%; no homozygotes.

Submissions (12):

Dasa
Classification: Pathogenic. Last evaluated: 2026-04-09. Review status: criteria provided, single submitter. Criteria: DASA Assertion Criteria. Collection method: clinical testing. Allele origin: germline.
Comment: NM_020451.3(SELENON):c.1315C>T (p.Arg439*) introduces a premature termination codon predicted to result in loss of normal protein function. Loss-of-function is an established mechanism of disease for this gene. This variant has been recurrently observed in individuals with related phenotype (PMID: 17951086; PMID: 30932294; PMID: 19557870). Segregation evidence has been reported in affected families. The variant is present at low frequency in population datasets. Based on the available data, this variant is classified as pathogenic.

Intergen Genetics and Rare Diseases Diagnosis Center
Classification: Pathogenic for Eichsfeld type congenital muscular dystrophy. Last evaluated: 2025-12-01. Review status: criteria provided, single submitter. Criteria: ACMG Guidelines, 2015. Collection method: clinical testing. Allele origin: germline. Inheritance: Autosomal recessive inheritance. Affected: yes. Observed: 1 homozygote.
Comment: The SELENON c.1315C>T (p.Arg439*) variant introduces a premature termination codon at residue 439, predicted to result in nonsense-mediated mRNA decay or production of a truncated nonfunctional protein. Loss of function is an established disease mechanism for SELENON-related congenital myopathy. Truncating variants downstream of this region have previously been reported as pathogenic in affected individuals (PMIDs: 15792869, 30932294). This variant is absent or extremely rare in population databases (gnomAD), supporting PM2. The predicted null effect of a stop-gain variant meets PVS1. Based on the available evidence (PVS1, PM3_VS, PM2), this variant is classified as pathogenic.

First Genomix Gene Laboratory, Genetic Diagnostics Department
Classification: Pathogenic for Eichsfeld type congenital muscular dystrophy. Last evaluated: 2025-09-16. Review status: criteria provided, single submitter. Criteria: ACMG Guidelines, 2015. Collection method: clinical testing. Allele origin: germline. Inheritance: Autosomal recessive inheritance. Affected: no. Observed: 1 variant allele.

Labcorp Genetics (formerly Invitae), Labcorp
Classification: Pathogenic for Eichsfeld type congenital muscular dystrophy. Last evaluated: 2025-05-05. Review status: criteria provided, single submitter. Criteria: Invitae Variant Classification Sherloc (09022015). Collection method: clinical testing. Allele origin: germline.
Comment: This sequence change creates a premature translational stop signal (p.Arg439*) in the SELENON gene. It is expected to result in an absent or disrupted protein product. Loss-of-function variants in SELENON are known to be pathogenic (PMID: 21131290, 21670436). This variant is present in population databases (rs377215510, gnomAD 0.01%). This premature translational stop signal has been observed in individual(s) with autosomal recessive congenital myopathy and/or multiminicore disease (PMID: 15792869, 19557870). In at least one individual the data is consistent with being in trans (on the opposite chromosome) from a pathogenic variant. ClinVar contains an entry for this variant (Variation ID: 95958). For these reasons, this variant has been classified as Pathogenic.

Fulgent Genetics
Classification: Pathogenic for Eichsfeld type congenital muscular dystrophy. Last evaluated: 2024-04-24. Review status: criteria provided, single submitter. Criteria: ACMG Guidelines, 2015. Collection method: clinical testing. Allele origin: germline.

GeneDx
Classification: Pathogenic. Last evaluated: 2023-05-03. Review status: criteria provided, single submitter. Criteria: GeneDx Variant Classification Process June 2021. Collection method: clinical testing. Allele origin: germline. Affected: yes.
Comment: Nonsense variant predicted to result in protein truncation or nonsense mediated decay in a gene for which loss of function is a known mechanism of disease; Not observed at significant frequency in large population cohorts (gnomAD); This variant is associated with the following publications: (PMID: 19557870, 15792869, 25525159, 17951086, 30932294, 35599849, 32796131, 32906206)

Broad Center for Mendelian Genomics, Broad Institute of MIT and Harvard
Classification: Pathogenic. Last evaluated: 2023-01-24. Review status: criteria provided, single submitter. Criteria: ACMG Guidelines, 2015. Collection method: curation. Allele origin: germline. Inheritance: Autosomal recessive inheritance.
Comment: The p.Arg439Ter variant in SELENON has been reported in 3 individuals with SELENON-RM (PMID: 15792869, 19557870, 30932294), segregated with disease in 1 affected relative from 1 family (PMID: 17951086), and has been identified in 0.00988% (3/30354) of South Asian chromosomes by the Genome Aggregation Database (gnomAD; dbSNP ID: rs377215510). Although this variant has been seen in the general population in a heterozygous state, its frequency is low enough to be consistent with a recessive carrier frequency. This variant has also been reported in ClinVar (Variation ID#: 95958) and has been interpreted as pathogenic by multiple submitters. Of the 3 affected individuals, 1 of those was a homozygote, which increases the likelihood that the p.Arg439Ter variant is pathogenic (PMID: 30932294). This nonsense variant leads to a premature termination codon at position 439 which is predicted to lead to a truncated or absent protein. Loss of function of the SELENON gene is an established disease mechanism in autosomal recessive SELENON-RM. In summary, this variant meets criteria to be classified as pathogenic for autosomal recessive SELENON-RM. ACMG/AMP Criteria applied: PVS1, PM2_supporting, PM3_supporting (Richards 2015).

Women's Health and Genetics/Laboratory Corporation of America, LabCorp
Classification: Pathogenic for Eichsfeld type congenital muscular dystrophy. Last evaluated: 2022-04-07. Review status: criteria provided, single submitter. Criteria: LabCorp Variant Classification Summary - May 2015. Collection method: clinical testing. Allele origin: germline.
Comment: Variant summary: SELENON c.1315C>T (p.Arg439X) results in a premature termination codon, predicted to cause a truncation of the encoded protein or absence of the protein due to nonsense mediated decay, which are commonly known mechanisms for disease. Truncations downstream of this position have been classified as pathogenic by our laboratory. The variant allele was found at a frequency of 2.8e-05 in 247460 control chromosomes. c.1315C>T has been reported in the literature in individuals affected with Eichsfeld Type Congenital Muscular Dystrophy or similar disease. These data indicate that the variant may be associated with disease. Five clinical diagnostic laboratories have submitted clinical-significance assessments for this variant to ClinVar after 2014 without evidence for independent evaluation. All laboratories classified the variant as pathogenic. Based on the evidence outlined above, the variant was classified as pathogenic.

Revvity Omics, Revvity
Classification: Pathogenic for Eichsfeld type congenital muscular dystrophy. Last evaluated: 2019-07-23. Review status: criteria provided, single submitter. Criteria: ACMG Guidelines, 2015. Collection method: clinical testing. Allele origin: germline.

Mayo Clinic Laboratories, Mayo Clinic
Classification: Pathogenic. Last evaluated: 2019-07-22. Review status: criteria provided, single submitter. Criteria: ACMG Guidelines, 2015. Collection method: clinical testing. Allele origin: germline. Observed: 1 variant allele.
Comment: PVS1, PM2, PM3

Centre for Mendelian Genomics, University Medical Centre Ljubljana
Classification: Pathogenic. Last evaluated: 2016-01-01. Review status: criteria provided, single submitter. Criteria: ACMG Guidelines, 2015. Collection method: clinical testing. Allele origin: unknown. Affected: yes.
Comment: This variant was classified as: Pathogenic. The following ACMG criteria were applied in classifying this variant: PVS1,PS1,PM2.

Eurofins Ntd Llc (ga)
Classification: Pathogenic. Last evaluated: 2013-03-01. Review status: criteria provided, single submitter. Criteria: EGL Classification Definitions. Collection method: clinical testing. Allele origin: germline. Observed: 1 variant allele, 1 heterozygote.

Literature cited by the submitters: PubMed 17951086 (cited by Dasa); PubMed 30932294 (cited by 4 submitters); PubMed 19557870 (cited by 3 submitters); PubMed 15792869 (cited by 4 submitters); PubMed 25525159 (cited by Intergen Genetics and Rare Diseases Diagnosis Center and Mayo Clinic Laboratories, Mayo Clinic); PubMed 21131290 (cited by Labcorp Genetics (formerly Invitae), Labcorp); PubMed 21670436 (cited by Labcorp Genetics (formerly Invitae), Labcorp).

NM_206926.2(SELENON):c.1213C>T (p.Arg405Ter)

Gene: SELENON (selenoprotein N; plus strand). Cytogenetic location: 1p36.11.
Variant type: single nucleotide variant.
Coding change: c.1213C>T on transcript NM_206926.2 (MANE Select); coding-DNA position 1213, C replaced by T.
Protein change: p.Arg405Ter; replaces arginine 405 with a stop codon.
Molecular consequence: nonsense.
Genome position (GRCh38, 1-based): chr1:25,812,720, C>T. VCF-style: chr1-25812720-C-T. GRCh37 (hg19) VCF-style: chr1-26139211-C-T.
Other names: NM_020451.3(SELENON):c.1315C>T; p.Arg439Ter; c.1315C>T, p.Arg439Ter (NM_020451.3); short protein forms R439*, R405*.
Identifiers: ClinVar variation 95958 (VCV000095958.31), dbSNP rs377215510, ClinGen allele CA223582.